The following is an entry in ClinVar:

NM_177964.5(LYPD6B):c.493A>G (p.Asn165Asp)

Gene: LYPD6B (LY6/PLAUR domain containing 6B; plus strand). Cytogenetic location: 2q23.2.
Variant type: single nucleotide variant.
Coding change: c.493A>G on transcript NM_177964.5 (MANE Select); coding-DNA position 493, A replaced by G.
Protein change: p.Asn165Asp; replaces asparagine 165 with aspartic acid.
Molecular consequence: missense variant.
Genome position (GRCh38, 1-based): chr2:149,214,579, A>G. VCF-style: chr2-149214579-A-G. GRCh37 (hg19) VCF-style: chr2-150071093-A-G.
Other names: c.493A>G, p.Asn165Asp (NM_001317002.2); c.421A>G, p.Asn141Asp (NM_001317003.2, NM_001317004.1, NM_001317005.2); c.379A>G, p.Asn127Asp (NM_001317006.2); short protein forms N127D, N141D, N165D.
Identifiers: ClinVar variation 3235875 (VCV003235875.1), dbSNP rs2468719194, ClinGen allele CA348867606.
Genomic context (GRCh38, chr2:149,214,579, plus strand): 5'-CATTTCCTCTCTCCTTTTTTGTAACAGGAGTGTAGGTCTTGCTGTGAAGGAATGATCTGC[A>G]ATGTAGAATTACCCACCAATCACACTAATGCAGTGTTTGCCGTAATGCACGCTCAGAGAA-3'
Protein context (NP_808879.2, residues 155-175): CRSCCEGMIC[Asn165Asp]VELPTNHTNA

ClinVar aggregate classification (germline): Uncertain significance (1 of 4 stars; one submission).

Submission:

Greenwood Genetic Center Diagnostic Laboratories, Greenwood Genetic Center
Classification: Uncertain significance. Last evaluated: 2024-02-01. Review status: criteria provided, single submitter. Criteria: ACMG Guidelines, 2015. Collection method: clinical testing. Allele origin: germline. Affected: yes.
Comment: Gene of Uncertain Significance